The following is an entry in ClinVar:

NM_004333.6(BRAF):c.398C>T (p.Ser133Leu)

Gene: BRAF (B-Raf proto-oncogene, serine/threonine kinase; minus strand). Cytogenetic location: 7q34.
Variant type: single nucleotide variant.
Coding change: c.398C>T on transcript NM_004333.6 (MANE Select); coding-DNA position 398, C replaced by T.
Protein change: p.Ser133Leu; replaces serine 133 with leucine.
Molecular consequence: missense variant. On other transcripts: intron variant (1).
Genome position (GRCh38, 1-based): chr7:140,834,715, G>A on the plus strand (C>T on the coding strand, the complement: BRAF is on the minus strand). VCF-style: chr7-140834715-G-A. GRCh37 (hg19) VCF-style: chr7-140534515-G-A.
Other names: c.398C>T, p.Ser133Leu (NM_001354609.2, NM_001374244.1, NM_001374258.1 and 5 more transcripts); c.296C>T, p.Ser99Leu (NM_001378470.1); c.242C>T, p.Ser81Leu (NM_001378472.1, NM_001378473.1); c.240+15396C>T (NM_001378475.1); short protein forms S133L, S81L, S99L.
Identifiers: ClinVar variation 372617 (VCV000372617.1), dbSNP rs1057517889, ClinGen allele CA16042566.

ClinVar aggregate classification (germline): Uncertain significance (1 of 4 stars; one submission).

Submission:

GeneDx
Classification: Uncertain significance. Last evaluated: 2015-05-11. Review status: criteria provided, single submitter. Criteria: GeneDx Variant Classification (06012015). Collection method: clinical testing. Allele origin: germline. Affected: yes.
Comment: The S133L variant has not been published as a pathogenic variant or been reported as a benign polymorphism to our knowledge. The S133L variant was not observed in approximately 6500 individuals of European and African American ancestry in the NHLBI Exome Sequencing Project, indicating it is not a common benign variant in these populations. The S133L variant is a non-conservative amino acid substitution, which is likely to impact secondary protein structure as these residues differ in polarity, charge, size and/or other properties. This substitution occurs at a position that is conserved in mammals. However, in silico analysis is inconsistent in its predictions as to whether or not the variant is damaging to the protein structure/function. Furthermore, no missense variants in nearby residues have been reported in the Human Gene Mutation Database (HGMD) in association with BRAF-related disorders (Stenson et al., 2014), suggesting this region of the protein may be tolerant of change.Therefore, based on the currently available information, it is unclear whether this variant is a pathogenic variant or a rare benign variant